The following is an entry in ClinVar:

NM_198129.4(LAMA3):c.7797C>T (p.Asp2599=)

Gene: LAMA3 (laminin subunit alpha 3; plus strand). Cytogenetic location: 18q11.2.
Variant type: single nucleotide variant.
Coding change: c.7797C>T on transcript NM_198129.4 (MANE Select); coding-DNA position 7797, C replaced by T.
Protein change: p.Asp2599=; no amino-acid change (aspartic acid 2599 retained).
Molecular consequence: synonymous variant.
Genome position (GRCh38, 1-based): chr18:23,916,569, C>T. VCF-style: chr18-23916569-C-T. GRCh37 (hg19) VCF-style: chr18-21496533-C-T.
Other names: c.2970C>T, p.Asp990= (NM_000227.6); c.7629C>T, p.Asp2543= (NM_001127717.4); c.2802C>T, p.Asp934= (NM_001127718.4).
Identifiers: ClinVar variation 326323 (VCV000326323.17), dbSNP rs61751706, ClinGen allele CA8916755.

ClinVar aggregate classification (germline): Benign/Likely benign. Review status: criteria provided, multiple submitters, no conflicts (2 of 4 stars). 6 submissions from 5 submitters: Benign (1); Likely benign (5). Last evaluated 2026-08-01.

Conditions:
Laryngo-onycho-cutaneous syndrome (JEB2C). Also called: EPIDERMOLYSIS BULLOSA, JUNCTIONAL 2C, LARYNGOONYCHOCUTANEOUS; SHABBIR SYNDROME; LOGIC SYNDROME. Identifiers: Orphanet 2407, MedGen C1328355, MONDO:0009513, OMIM 245660.
Junctional epidermolysis bullosa gravis of Herlitz. Also called: Epidermolysis Bullosa Letalis; EPIDERMOLYSIS BULLOSA, JUNCTIONAL 1B, SEVERE; Herlitz-type junctional epidermolysis bullosa; EPIDERMOLYSIS BULLOSA JUNCTIONALIS, HERLITZ TYPE; EPIDERMOLYSIS BULLOSA, JUNCTIONAL, HERLITZ-PEARSON TYPE; JEB-HERLITZ TYPE. Identifiers: Orphanet 79404, MedGen C0079683, MONDO:0009182, OMIM 226700.

Allele frequency attached by ClinVar (database versions not stated): 1000 Genomes Project 30x 0.00078; 1000 Genomes Project 0.00100; TOPMed 0.00426; ESP Exome Variant Server 0.00500; gnomAD 0.00502 and 0.00523; ExAC 0.00508; gnomAD exomes 0.00516 and 0.00696.
gnomAD v4.1: 10,756 of 1,614,004 alleles (0.67%); highest among the groups gnomAD compares: Non-Finnish European, 0.81%; 41 homozygotes.

Submissions (6):

CeGaT Center for Human Genetics Tuebingen
Classification: Likely benign. Last evaluated: 2026-08-01. Review status: criteria provided, single submitter. Criteria: CeGaT Center For Human Genetics Tuebingen Variant Classification Criteria Version 2. Collection method: clinical testing. Allele origin: germline. Affected: yes. Observed: 1 variant allele.
Comment: LAMA3: BP4, BS2

Labcorp Genetics (formerly Invitae), Labcorp
Classification: Benign. Last evaluated: 2026-01-28. Review status: criteria provided, single submitter. Criteria: Invitae Variant Classification Sherloc (09022015). Collection method: clinical testing. Allele origin: germline.

Illumina Laboratory Services, Illumina
Classification: Likely benign for Junctional epidermolysis bullosa gravis of Herlitz. Last evaluated: 2018-01-13. Review status: criteria provided, single submitter. Criteria: ICSL Variant Classification Criteria 13 December 2019. Collection method: clinical testing. Allele origin: germline.
Comment: This variant was observed in the ICSL laboratory as part of a predisposition screen in an ostensibly healthy population. It had not been previously curated by ICSL or reported in the Human Gene Mutation Database (HGMD: prior to June 1st, 2018), and was therefore a candidate for classification through an automated scoring system. Utilizing variant allele frequency, disease prevalence and penetrance estimates, and inheritance mode, an automated score was calculated to assess if this variant is too frequent to cause the disease. Based on the score and internal cut-off values, a variant classified as likely benign is not then subjected to further curation. The score for this variant resulted in a classification of likely benign for this disease.

Illumina Laboratory Services, Illumina
Classification: Likely benign for Laryngo-onycho-cutaneous syndrome. Last evaluated: 2018-01-13. Review status: criteria provided, single submitter. Criteria: ICSL Variant Classification Criteria 13 December 2019. Collection method: clinical testing. Allele origin: germline.
Comment: the same text as in the submission from Illumina Laboratory Services, Illumina above.

GeneDx
Classification: Likely benign. Last evaluated: 2017-03-22. Review status: criteria provided, single submitter. Criteria: GeneDx Variant Classification (06012015). Collection method: clinical testing. Allele origin: germline. Affected: yes.
Comment: This variant is considered likely benign or benign based on one or more of the following criteria: it is a conservative change, it occurs at a poorly conserved position in the protein, it is predicted to be benign by multiple in silico algorithms, and/or has population frequency not consistent with disease.

Breakthrough Genomics
Classification: Likely benign. Review status: criteria provided, single submitter. Criteria: ACMG Guidelines, 2015. Collection method: not provided. Allele origin: germline. Inheritance: Autosomal recessive inheritance. Affected: yes.